The following is an entry in ClinVar:

NM_001142864.4(PIEZO1):c.5590C>T (p.Arg1864Cys)

Gene: PIEZO1 (piezo type mechanosensitive ion channel component 1 (Er blood group); minus strand). Cytogenetic location: 16q24.3.
Variant type: single nucleotide variant.
Coding change: c.5590C>T on transcript NM_001142864.4 (MANE Select); coding-DNA position 5590, C replaced by T.
Protein change: p.Arg1864Cys; replaces arginine 1864 with cysteine.
Molecular consequence: missense variant.
Genome position (GRCh38, 1-based): chr16:88,721,244, G>A on the plus strand (C>T on the coding strand, the complement: PIEZO1 is on the minus strand). VCF-style: chr16-88721244-G-A. GRCh37 (hg19) VCF-style: chr16-88787652-G-A.
Other names: c.4132C>T, p.Arg1378Cys (NM_014745.1); short protein forms R1378C, R1864C.
Identifiers: ClinVar variation 2500443 (VCV002500443.4), dbSNP rs79879471, ClinGen allele CA8231841.
Genomic context (GRCh38, chr16:88,721,244, plus strand): 5'-TCCGTGCTGGGCCCTCCTTCTTCCTTCTTCTAAAACGTAGACTGATGCGCCTCGTATCAC[G>A]GGGCCTGAGCTCCACTTGGGGTTCTGGGGTCCCGTCCGTGGGTCCGACCCTGGCTTCCAC-3'
Protein context (NP_001136336.2, residues 1854-1874): TPEPQVELRP[Arg1864Cys]DTRRISLRFR

ClinVar aggregate classification (germline): Conflicting classifications of pathogenicity. Review status: criteria provided, conflicting classifications (1 of 4 stars). 2 submissions from 2 submitters: Uncertain significance (1); Benign (1). Last evaluated 2023-12-12.

Allele frequency attached by ClinVar (database versions not stated): ExAC 0.00005; gnomAD exomes 0.00005; gnomAD 0.00013; 1000 Genomes Project 0.00040; 1000 Genomes Project 30x 0.00047.

Submissions (2):

Labcorp Genetics (formerly Invitae), Labcorp
Classification: Benign. Last evaluated: 2023-12-12. Review status: criteria provided, single submitter. Criteria: Invitae Variant Classification Sherloc (09022015). Collection method: clinical testing. Allele origin: germline.

GeneDx
Classification: Uncertain significance. Last evaluated: 2022-10-27. Review status: criteria provided, single submitter. Criteria: GeneDx Variant Classification Process June 2021. Collection method: clinical testing. Allele origin: germline. Affected: yes.
Comment: In silico analysis supports that this missense variant does not alter protein structure/function; Has not been previously published as pathogenic or benign to our knowledge